The following is an entry in ClinVar:

ClinVar aggregate classification (germline): Likely benign. Review status: criteria provided, multiple submitters, no conflicts (2 of 4 stars). 4 submissions from 4 submitters: Likely benign (4). Last evaluated 2026-01-22.

Conditions:
Malignant hyperthermia, susceptibility to, 1 (MHS1). Also called: Malignant hyperthermia suceptibility 1; RYR1-Related Malignant Hyperthermia Susceptibility; Anesthesia related hyperthermia; Malignant hyperpyrexia; Fulminating hyperpyrexia; Pharmacogenic myopathy. Identifiers: Orphanet 423, MedGen C2930980, MONDO:0007783, OMIM 145600.
RYR1-related disorder. Also called: RYR1-related condition; RYR1-related disorders. Identifiers: MedGen CN239331.

Allele frequency attached by ClinVar (database versions not stated): ExAC 0.00001; TOPMed 0.00001.
gnomAD v4.1: 18 of 1,613,114 alleles (0.0011%); highest among the groups gnomAD compares: Non-Finnish European, 0.0013%; no homozygotes.

Submissions (4):

Labcorp Genetics (formerly Invitae), Labcorp
Classification: Likely benign for RYR1-related disorder. Last evaluated: 2026-01-22. Review status: criteria provided, single submitter. Criteria: Invitae Variant Classification Sherloc (09022015). Collection method: clinical testing. Allele origin: germline.

All of Us Research Program, National Institutes of Health
Classification: Likely benign for Malignant hyperthermia, susceptibility to, 1. Last evaluated: 2023-12-18. Review status: criteria provided, single submitter. Criteria: ACMG Guidelines, 2015. Collection method: clinical testing. Allele origin: germline. Inheritance: Autosomal dominant inheritance. Observed: 1 variant allele, 1 heterozygote.
Comment: This study involves interpretation of variants in research participants for the purpose of population health screening. Participant phenotype was not available at the time of variant classification. Additional details can be found in publication PMID: 35346344, PMCID: PMC8962531

Blueprint Genetics
Classification: Likely benign. Last evaluated: 2023-01-23. Review status: criteria provided, single submitter. Criteria: ACMG Guidelines, 2015. Collection method: clinical testing. Allele origin: germline.

Color Diagnostics, LLC DBA Color Health
Classification: Likely benign for Malignant hyperthermia, susceptibility to, 1. Last evaluated: 2022-11-06. Review status: criteria provided, single submitter. Criteria: ACMG Guidelines, 2015. Collection method: clinical testing. Allele origin: germline.

NM_000540.3(RYR1):c.2172C>T (p.His724=)

Gene: RYR1 (ryanodine receptor 1; plus strand). Cytogenetic location: 19q13.2.
Variant type: single nucleotide variant.
Coding change: c.2172C>T on transcript NM_000540.3 (MANE Select); coding-DNA position 2172, C replaced by T.
Protein change: p.His724=; no amino-acid change (histidine 724 retained).
Molecular consequence: synonymous variant.
Genome position (GRCh38, 1-based): chr19:38,459,150, C>T. VCF-style: chr19-38459150-C-T. GRCh37 (hg19) VCF-style: chr19-38949790-C-T.
Other names: c.2172C>T, p.His724= (NM_001042723.2).
Identifiers: ClinVar variation 1127550 (VCV001127550.11), dbSNP rs761665467, ClinGen allele CA062975.